The following is an entry in ClinVar:

ClinVar aggregate classification (germline): Uncertain significance (1 of 4 stars; one submission).

Conditions:
Hereditary breast ovarian cancer syndrome. Also called: Hereditary breast and ovarian cancer syndrome (HBOC); Hereditary breast and/or ovarian cancer syndrome; Hereditary breast and ovarian cancer syndrome; Breast and ovarian cancer; Hereditary breast and ovarian cancer; BRCA1- and BRCA2-Associated Hereditary Breast and Ovarian Cancer. Identifiers: Orphanet 145, MedGen C0677776, MeSH D061325, MONDO:0003582. Disease mechanism: loss of function.

Submission:

Labcorp Genetics (formerly Invitae), Labcorp
Classification: Uncertain significance for Hereditary breast ovarian cancer syndrome. Last evaluated: 2023-12-10. Review status: criteria provided, single submitter. Criteria: Invitae Variant Classification Sherloc (09022015). Collection method: clinical testing. Allele origin: germline.
Comment: This sequence change replaces leucine, which is neutral and non-polar, with tryptophan, which is neutral and slightly polar, at codon 413 of the BRCA1 protein (p.Leu413Trp). This variant is not present in population databases (gnomAD no frequency). This variant has not been reported in the literature in individuals affected with BRCA1-related conditions. Advanced modeling of protein sequence and biophysical properties (such as structural, functional, and spatial information, amino acid conservation, physicochemical variation, residue mobility, and thermodynamic stability) performed at Invitae indicates that this missense variant is not expected to disrupt BRCA1 protein function with a negative predictive value of 95%. In summary, the available evidence is currently insufficient to determine the role of this variant in disease. Therefore, it has been classified as a Variant of Uncertain Significance.

NM_007294.4(BRCA1):c.1238T>G (p.Leu413Trp)

Gene: BRCA1 (BRCA1 DNA repair associated; minus strand). Cytogenetic location: 17q21.31.
Variant type: single nucleotide variant.
Coding change: c.1238T>G on transcript NM_007294.4 (MANE Select); coding-DNA position 1238, T replaced by G.
Protein change: p.Leu413Trp; replaces leucine 413 with tryptophan.
Molecular consequence: missense variant. On other transcripts: intron variant (137).
Genome position (GRCh38, 1-based): chr17:43,094,293, A>C on the plus strand (T>G on the coding strand, the complement: BRCA1 is on the minus strand). VCF-style: chr17-43094293-A-C. GRCh37 (hg19) VCF-style: chr17-41246310-A-C.
Other names: c.1238T>G, p.Leu413Trp (NM_001407625.1, NM_001407626.1, NM_001407602.1 and 30 more transcripts); c.523+451T>G (NM_001408499.1, NM_001408498.1, NM_001408501.1 and 3 more transcripts); c.670+1553T>G (NM_001408422.1, NM_001408418.1, NM_001408423.1 and 2 more transcripts); c.1235T>G, p.Leu412Trp (NM_001407627.1, NM_001407628.1, NM_001407629.1 and 22 more transcripts); c.706+451T>G (NM_001408416.1, NM_001408413.1); c.577+451T>G (NM_001408484.1, NM_001408478.1, NM_001408481.1 and 9 more transcripts); c.661+451T>G (NM_001408450.1, NM_001408434.1, NM_001408446.1 and 6 more transcripts); c.787+451T>G (NM_007298.4, NM_001407981.1, NM_001407980.1 and 19 more transcripts); and 40 more; short protein forms L324W, L371W, L372W, L117W, L325W, L342W, L387W, L245W.
Identifiers: ClinVar variation 2757431 (VCV002757431.3), dbSNP rs2154465089, ClinGen allele CA10599577.